The following is an entry in ClinVar:

ClinVar aggregate classification (germline): Likely benign. Review status: criteria provided, multiple submitters, no conflicts (2 of 4 stars). 2 submissions from 2 submitters: Likely benign (2). Last evaluated 2024-02-14.

Allele frequency attached by ClinVar (database versions not stated): TOPMed below 0.00001; gnomAD 0.00001; gnomAD exomes 0.00001 and 0.00002.
gnomAD v4.1: 24 of 1,613,488 alleles (0.0015%); highest among the groups gnomAD compares: East Asian, 0.051%; no homozygotes.

Submissions (2):

Labcorp Genetics (formerly Invitae), Labcorp
Classification: Likely benign. Last evaluated: 2024-02-14. Review status: criteria provided, single submitter. Criteria: Invitae Variant Classification Sherloc (09022015). Collection method: clinical testing. Allele origin: germline.

CeGaT Center for Human Genetics Tuebingen
Classification: Likely benign. Last evaluated: 2022-08-01. Review status: criteria provided, single submitter. Criteria: CeGaT Center For Human Genetics Tuebingen Variant Classification Criteria Version 2. Collection method: clinical testing. Allele origin: germline. Affected: yes. Observed: 1 variant allele.
Comment: VPS13A: BP4, BP7

NM_033305.3(VPS13A):c.64T>C (p.Leu22=)

Genes: VPS13A (vacuolar protein sorting 13 homolog A; plus strand), VPS13A-AS1 (VPS13A antisense RNA 1; minus strand). Cytogenetic location: 9q21.2.
Variant type: single nucleotide variant.
Coding change: c.64T>C on transcript NM_033305.3 (MANE Select); coding-DNA position 64, T replaced by C.
Protein change: p.Leu22=; no amino-acid change (leucine 22 retained).
Molecular consequence: synonymous variant. On other transcripts: non-coding transcript variant (1).
Genome position (GRCh38, 1-based): chr9:77,177,768, T>C. VCF-style: chr9-77177768-T-C. GRCh37 (hg19) VCF-style: chr9-79792684-T-C.
Other names: c.64T>C, p.Leu22= (NM_001018037.2, NM_001018038.3, NM_015186.4).
Identifiers: ClinVar variation 1138807 (VCV001138807.38), dbSNP rs1360245833, ClinGen allele CA465576569.